The following is an entry in ClinVar:

NM_004304.5(ALK):c.1824G>C (p.Trp608Cys)

Gene: ALK (ALK receptor tyrosine kinase; minus strand). Cytogenetic location: 2p23.2.
Variant type: single nucleotide variant.
Coding change: c.1824G>C on transcript NM_004304.5 (MANE Select); coding-DNA position 1824, G replaced by C.
Protein change: p.Trp608Cys; replaces tryptophan 608 with cysteine.
Molecular consequence: missense variant.
Genome position (GRCh38, 1-based): chr2:29,275,490, C>G on the plus strand (G>C on the coding strand, the complement: ALK is on the minus strand). VCF-style: chr2-29275490-C-G. GRCh37 (hg19) VCF-style: chr2-29498356-C-G.
Other names: c.1824G>C (NM_004304.4); short protein forms W608C.
Identifiers: ClinVar variation 3726456 (VCV003726456.3).

ClinVar aggregate classification (germline): Uncertain significance. Review status: criteria provided, multiple submitters, no conflicts (2 of 4 stars). 2 submissions from 2 submitters: Uncertain significance (2). Last evaluated 2025-05-18.

Conditions:
Hereditary cancer-predisposing syndrome. Also called: Tumor predisposition; Hereditary Cancer Syndrome; Hereditary neoplastic syndrome; Neoplastic Syndromes, Hereditary. Identifiers: Orphanet 140162, MedGen C0027672, MeSH D009386, MONDO:0015356.
Neuroblastoma, susceptibility to, 3. Also called: ALK-Related Neuroblastic Tumor Susceptibility. Identifiers: Orphanet 635, MedGen C2751681, MONDO:0013083, OMIM 613014.

gnomAD v4.1: 1 of 1,614,042 alleles (0.000062%); highest among the groups gnomAD compares: South Asian, 0.0011%; no homozygotes.

Submissions (2):

Ambry Genetics
Classification: Uncertain significance for Hereditary cancer-predisposing syndrome. Last evaluated: 2025-05-18. Review status: criteria provided, single submitter. Criteria: Ambry Variant Classification Scheme 2023. Collection method: clinical testing. Allele origin: germline.

Labcorp Genetics (formerly Invitae), Labcorp
Classification: Uncertain significance for Neuroblastoma, susceptibility to, 3. Last evaluated: 2024-12-02. Review status: criteria provided, single submitter. Criteria: Invitae Variant Classification Sherloc (09022015). Collection method: clinical testing. Allele origin: germline.
Comment: This sequence change replaces tryptophan, which is neutral and slightly polar, with cysteine, which is neutral and slightly polar, at codon 608 of the ALK protein (p.Trp608Cys). This variant is not present in population databases (gnomAD no frequency). This variant has not been reported in the literature in individuals affected with ALK-related conditions. An algorithm developed to predict the effect of missense changes on protein structure and function (PolyPhen-2) suggests that this variant is likely to be disruptive. In summary, the available evidence is currently insufficient to determine the role of this variant in disease. Therefore, it has been classified as a Variant of Uncertain Significance.